The following is an entry in ClinVar:

NM_015267.4(CUX2):c.1945G>A (p.Asp649Asn)

Gene: CUX2 (cut like homeobox 2; plus strand). Cytogenetic location: 12q24.12.
Variant type: single nucleotide variant.
Coding change: c.1945G>A on transcript NM_015267.4 (MANE Select); coding-DNA position 1945, G replaced by A.
Protein change: p.Asp649Asn; replaces aspartic acid 649 with asparagine.
Molecular consequence: missense variant.
Genome position (GRCh38, 1-based): chr12:111,312,144, G>A. VCF-style: chr12-111312144-G-A. GRCh37 (hg19) VCF-style: chr12-111749948-G-A.
Other names: c.1759G>A, p.Asp587Asn (NM_001370598.1); short protein forms D587N, D649N.
Identifiers: ClinVar variation 1805934 (VCV001805934.1), dbSNP rs1333720072, ClinGen allele CA386710251.

ClinVar aggregate classification (germline): Uncertain significance (1 of 4 stars; one submission).

Conditions:
Developmental and epileptic encephalopathy, 67. Also called: EPILEPTIC ENCEPHALOPATHY, EARLY INFANTILE, 67. Identifiers: MedGen C4748341, MONDO:0029138, OMIM 618141.

Allele frequency attached by ClinVar (database versions not stated): gnomAD exomes below 0.00001; gnomAD 0.00001; TOPMed 0.00001.
gnomAD v4.1: 6 of 1,612,386 alleles (0.00037%); highest among the groups gnomAD compares: Admixed American, 0.0017%; no homozygotes.

Submission:

Victorian Clinical Genetics Services, Murdoch Childrens Research Institute
Classification: Uncertain significance for Developmental and epileptic encephalopathy, 67. Last evaluated: 2022-09-02. Review status: criteria provided, single submitter. Criteria: ACMG Guidelines, 2015. Collection method: clinical testing. Allele origin: germline. Inheritance: Autosomal dominant inheritance. Affected: yes.
Comment: Based on the classification scheme VCGS_Germline_v1.3.4, this variant is classified as VUS-3B. Following criteria are met: 0105 - The mechanism of disease for this gene is not clearly established. (I) 0107 - This gene is associated with autosomal dominant disease. (I) 0200 - Variant is predicted to result in a missense amino acid change from aspartic acid to asparagine. (I) 0251 - This variant is heterozygous. (I) 0302 - Variant is present in gnomAD (v3) <0.001 for a dominant condition (1 heterozygote, 0 homozygotes). (SP) 0502 - Missense variant with conflicting in silico predictions and uninformative conservation. (I) 0604 - Variant is not located in an established domain, motif, hotspot or informative constraint region. (I) 0705 - No comparable missense variants have previous evidence for pathogenicity. (I) 0807 - This variant has no previous evidence of pathogenicity. (I) 0905 - No published segregation evidence has been identified for this variant. (I) 1007 - No published functional evidence has been identified for this variant. (I) 1208 - Inheritance information for this variant is not currently available in this individual. (I) Legend: (SP) - Supporting pathogenic, (I) - Information, (SB) - Supporting benign